The following is an entry in ClinVar:

GRCh37/hg19 11q14.1(chr11:83996454-84055732)x1

Gene: DLG2 (discs large MAGUK scaffold protein 2; minus strand). Cytogenetic location: 11q14.1.
Variant type: copy number loss.
Change: copy number 1 (one copy instead of two) of chr11:83,996,454-84,055,732 (59.3 kb, GRCh37 coordinates, 1-based), cytogenetic band 11q14.1.
Identifiers: ClinVar variation 617594 (VCV000617594.3).

ClinVar aggregate classification (germline): Uncertain significance (0 of 4 stars; one submission).

Submission:

Institute of Human Genetics, University of Goettingen
Classification: Uncertain significance. Last evaluated: 2018-10-01. Review status: no assertion criteria provided. Collection method: clinical testing. Allele origin: unknown. Affected: yes. Observed: 1 variant allele.
Comment: 22 deletions of different size are reported in HGMD database; patient's phenotypes are developmental delay (DD\ID) or bipolar disorders --> Di Gregorio et al., Clin Genet. 2017;92:415â€“422; Sahoo et al., Genet Med. 2011;13:868-880; Noor et al., Am J Med Genet B Neuropsychiatr Genet. 2014;165B:303-313; Reggiani et al., Genome Med. 2017 Jul 19;9(1):67